The following is an entry in ClinVar:

ClinVar aggregate classification (germline): Uncertain significance (1 of 4 stars; one submission).

gnomAD v4.1: 7 of 1,614,018 alleles (0.00043%); highest among the groups gnomAD compares: Non-Finnish European, 0.00059%; no homozygotes.

Submission:

Labcorp Genetics (formerly Invitae), Labcorp
Classification: Uncertain significance. Last evaluated: 2024-09-25. Review status: criteria provided, single submitter. Criteria: Invitae Variant Classification Sherloc (09022015). Collection method: clinical testing. Allele origin: germline.
Comment: This sequence change replaces arginine, which is basic and polar, with tryptophan, which is neutral and slightly polar, at codon 725 of the CTR9 protein (p.Arg725Trp). This variant is present in population databases (rs766817007, gnomAD 0.0009%). This variant has not been reported in the literature in individuals affected with CTR9-related conditions. An algorithm developed to predict the effect of missense changes on protein structure and function (PolyPhen-2) suggests that this variant is likely to be disruptive. In summary, the available evidence is currently insufficient to determine the role of this variant in disease. Therefore, it has been classified as a Variant of Uncertain Significance.

NM_014633.5(CTR9):c.2173C>T (p.Arg725Trp)

Gene: CTR9 (CTR9 component of Paf1/RNA polymerase II complex; plus strand). Cytogenetic location: 11p15.4.
Variant type: single nucleotide variant.
Coding change: c.2173C>T on transcript NM_014633.5 (MANE Select); coding-DNA position 2173, C replaced by T.
Protein change: p.Arg725Trp; replaces arginine 725 with tryptophan.
Molecular consequence: missense variant.
Genome position (GRCh38, 1-based): chr11:10,770,273, C>T. VCF-style: chr11-10770273-C-T. GRCh37 (hg19) VCF-style: chr11-10791820-C-T.
Other names: c.2173C>T, p.Arg725Trp (NM_001346279.2); short protein forms R725W.
Identifiers: ClinVar variation 3652491 (VCV003652491.2).